The following is an entry in ClinVar:

NM_182961.4(SYNE1):c.6723+239C>T

Gene: SYNE1 (spectrin repeat containing nuclear envelope protein 1; minus strand). Cytogenetic location: 6q25.2.
Variant type: single nucleotide variant.
Coding change: c.6723+239C>T on transcript NM_182961.4 (MANE Select); 239 bases into the intron after coding-DNA position 6723, C replaced by T.
Molecular consequence: intron variant.
Genome position (GRCh38, 1-based): chr6:152,406,775, G>A on the plus strand (C>T on the coding strand, the complement: SYNE1 is on the minus strand). VCF-style: chr6-152406775-G-A. GRCh37 (hg19) VCF-style: chr6-152727910-G-A.
Other names: c.6744+239C>T (NM_033071.5).
Identifiers: ClinVar variation 673145 (VCV000673145.1), dbSNP rs144325738, ClinGen allele CA12308878.

ClinVar aggregate classification (germline): Benign (1 of 4 stars; one submission).

Allele frequency attached by ClinVar (database versions not stated): 1000 Genomes Project 0.04752; 1000 Genomes Project 30x 0.05247; gnomAD 0.05535 and 0.05803; TOPMed 0.05732.
gnomAD v4.1: 8,345 of 152,044 alleles (5.5%); highest among the groups gnomAD compares: African/African-American, 13%; 412 homozygotes.

Submission:

GeneDx
Classification: Benign. Last evaluated: 2018-06-14. Review status: criteria provided, single submitter. Criteria: GeneDx Variant Classification (06012015). Collection method: clinical testing. Allele origin: germline. Affected: yes.
Comment: This variant is considered likely benign or benign based on one or more of the following criteria: it is a conservative change, it occurs at a poorly conserved position in the protein, it is predicted to be benign by multiple in silico algorithms, and/or has population frequency not consistent with disease.